The following is an entry in ClinVar:

ClinVar aggregate classification (germline): Uncertain significance (1 of 4 stars; one submission).

Submission:

GeneDx
Classification: Uncertain significance. Last evaluated: 2021-07-02. Review status: criteria provided, single submitter. Criteria: GeneDx Variant Classification Process June 2021. Collection method: clinical testing. Allele origin: germline. Affected: yes.
Comment: Not observed at significant frequency in large population cohorts (Lek et al., 2016); Intronic +5 splice site variant in a gene for which loss-of-function is a known mechanism of disease, and both splice predictors and evolutionary conservation support a deleterious effect, although in the absence of functional evidence the actual effect of this sequence change is unknown.; Has not been previously published as pathogenic or benign to our knowledge; This variant is associated with the following publications: (PMID: 27535533)

NM_001042681.2(RERE):c.1284+5G>A

Gene: RERE (arginine-glutamic acid dipeptide repeats; minus strand). Cytogenetic location: 1p36.23.
Variant type: single nucleotide variant.
Coding change: c.1284+5G>A on transcript NM_001042681.2 (MANE Select); 5 bases into the intron after coding-DNA position 1284, G replaced by A.
Molecular consequence: intron variant.
Genome position (GRCh38, 1-based): chr1:8,422,722, C>T on the plus strand (G>A on the coding strand, the complement: RERE is on the minus strand). VCF-style: chr1-8422722-C-T. GRCh37 (hg19) VCF-style: chr1-8482782-C-T.
Other names: c.1284+5G>A (NM_012102.4); c.-379+5G>A (NM_001042682.2).
Identifiers: ClinVar variation 1331132 (VCV001331132.2), dbSNP rs2124472378, ClinGen allele CA2573051625.